The following is an entry in ClinVar:

NM_001374828.1(ARID1B):c.519CCA[8] (p.His178_His179dup)

Genes: ARID1B (AT-rich interaction domain 1B; plus strand), LOC115308161 (uncharacterized LOC115308161; minus strand). Cytogenetic location: 6q25.3.
Variant type: Microsatellite.
Coding change: c.519CCA[8] on transcript NM_001374828.1 (MANE Select); eight copies in a row of the 3-base unit CCA starting at c.519; the reference has six copies in a row; two copies, 6 bases duplicated.
Protein change: p.His178_His179dup.
Molecular consequence: inframe insertion.
Genome position (GRCh38, 1-based): chr6:156,778,211-156,778,216, CCACCA duplicated; duplicating any 6 consecutive bases within chr6:156,778,199-156,778,216 gives the same sequence; the position shown is the placement nearest the transcript's 3' end. VCF-style (leftmost placement, unchanged base first): chr6-156778198-C-CCCACCA. GRCh37 (hg19) VCF-style: chr6-157099332-C-CCCACCA.
Other names: c.519CCA[8], p.His178_His179dup (NM_001371656.1, NM_001374820.1, NM_017519.3); c.282_287dup6 (NM_020732.3).
Identifiers: ClinVar variation 1357350 (VCV001357350.8), dbSNP rs754114025, ClinGen allele CA4066637.

ClinVar aggregate classification (germline): Conflicting classifications of pathogenicity. Review status: criteria provided, conflicting classifications (1 of 4 stars). 3 submissions from 3 submitters: Uncertain significance (2); Likely benign (1). Last evaluated 2026-02-10.

Conditions:
ARID1B-Related Disorder. Identifiers: MedGen CN381337.
Coffin-Siris syndrome. Identifiers: Orphanet 1465, MedGen C0265338, MONDO:0015452.

Submissions (3):

PreventionGenetics, part of Exact Sciences
Classification: Likely benign for ARID1B-related condition. Last evaluated: 2026-02-10. Review status: criteria provided, single submitter. Criteria: ACMG Guidelines, 2015. Collection method: clinical testing. Allele origin: germline.
Comment: This variant is classified as likely benign based on ACMG/AMP sequence variant interpretation guidelines (Richards et al. 2015 PMID: 25741868, with internal and published modifications).

Labcorp Genetics (formerly Invitae), Labcorp
Classification: Uncertain significance. Last evaluated: 2025-08-11. Review status: criteria provided, single submitter. Criteria: Invitae Variant Classification Sherloc (09022015). Collection method: clinical testing. Allele origin: germline.
Comment: This variant, c.282_287dup, results in the insertion of 2 amino acid(s) of the ARID1B protein (p.His95_His96dup), but otherwise preserves the integrity of the reading frame. The frequency data for this variant in the population databases is considered unreliable, as metrics indicate poor data quality at this position in the gnomAD database. This variant has not been reported in the literature in individuals affected with ARID1B-related conditions. ClinVar contains an entry for this variant (Variation ID: 1357350). Experimental studies and prediction algorithms are not available or were not evaluated, and the functional significance of this variant is currently unknown. In summary, the available evidence is currently insufficient to determine the role of this variant in disease. Therefore, it has been classified as a Variant of Uncertain Significance.

Department of Pathology and Laboratory Medicine, Sinai Health System
Classification: Uncertain significance for Coffin-Siris syndrome. Last evaluated: 2021-07-30. Review status: criteria provided, single submitter. Criteria: ACMG Guidelines, 2015. Collection method: research. Allele origin: germline.